The following is an entry in ClinVar:

NM_002834.5(PTPN11):c.805C>G (p.Gln269Glu)

Gene: PTPN11 (protein tyrosine phosphatase non-receptor type 11; plus strand). Cytogenetic location: 12q24.13.
Variant type: single nucleotide variant.
Coding change: c.805C>G on transcript NM_002834.5 (MANE Select); coding-DNA position 805, C replaced by G.
Protein change: p.Gln269Glu; replaces glutamine 269 with glutamic acid.
Molecular consequence: missense variant.
Genome position (GRCh38, 1-based): chr12:112,472,992, C>G. VCF-style: chr12-112472992-C-G. GRCh37 (hg19) VCF-style: chr12-112910796-C-G.
Other names: c.805C>G, p.Gln269Glu (NM_001330437.2, NM_080601.3); c.802C>G, p.Gln268Glu (NM_001374625.1); short protein forms Q268E, Q269E.
Identifiers: ClinVar variation 3784964 (VCV003784964.1).

ClinVar aggregate classification (germline): Uncertain significance (1 of 4 stars; one submission).

Conditions:
Cardiovascular phenotype. Identifiers: MedGen CN230736.

gnomAD v4.1: 1 of 1,613,184 alleles (0.000062%); highest among the groups gnomAD compares: Non-Finnish European, 0.000085%; no homozygotes.

Submission:

Ambry Genetics
Classification: Uncertain significance for Cardiovascular phenotype. Last evaluated: 2025-02-08. Review status: criteria provided, single submitter. Criteria: Ambry Variant Classification Scheme 2023. Collection method: clinical testing. Allele origin: germline.
Comment: The p.Q269E variant (also known as c.805C>G), located in coding exon 7 of the PTPN11 gene, results from a C to G substitution at nucleotide position 805. The glutamine at codon 269 is replaced by glutamic acid, an amino acid with highly similar properties. This amino acid position is conserved. In addition, the in silico prediction for this alteration is inconclusive. Based on the available evidence, the clinical significance of this variant remains unclear.